The following is an entry in ClinVar:

ClinVar aggregate classification (germline): Uncertain significance. Review status: criteria provided, multiple submitters, no conflicts (2 of 4 stars). 2 submissions from 2 submitters: Uncertain significance (2). Last evaluated 2023-04-19.

Conditions:
Familial cancer of breast. Also called: BREAST CANCER, FAMILIAL; Hereditary breast cancer; hereditary breast carcinoma. Identifiers: Orphanet 227535, MedGen C0346153, MONDO:0016419, OMIM 114480. Disease mechanism: loss of function.
Hereditary cancer-predisposing syndrome. Also called: Tumor predisposition; Hereditary neoplastic syndrome; Neoplastic Syndromes, Hereditary; Hereditary Cancer Syndrome. Identifiers: Orphanet 140162, MedGen C0027672, MeSH D009386, MONDO:0015356.

Submissions (2):

Ambry Genetics
Classification: Uncertain significance for Hereditary cancer-predisposing syndrome. Last evaluated: 2023-04-19. Review status: criteria provided, single submitter. Criteria: Ambry Variant Classification Scheme 2023. Collection method: clinical testing. Allele origin: germline.
Comment: The p.G1000V variant (also known as c.2999G>T), located in coding exon 10 of the PALB2 gene, results from a G to T substitution at nucleotide position 2999. The glycine at codon 1000 is replaced by valine, an amino acid with dissimilar properties. This amino acid position is conserved. In addition, this alteration is predicted to be tolerated by in silico analysis. Since supporting evidence is limited at this time, the clinical significance of this alteration remains unclear.

Labcorp Genetics (formerly Invitae), Labcorp
Classification: Uncertain significance for Familial cancer of breast. Last evaluated: 2019-04-03. Review status: criteria provided, single submitter. Criteria: Invitae Variant Classification Sherloc (09022015). Collection method: clinical testing. Allele origin: germline.
Comment: This sequence change replaces glycine with valine at codon 1000 of the PALB2 protein (p.Gly1000Val). The glycine residue is weakly conserved and there is a moderate physicochemical difference between glycine and valine. This variant is not present in population databases (ExAC no frequency). This variant has not been reported in the literature in individuals with PALB2-related conditions. Algorithms developed to predict the effect of missense changes on protein structure and function (SIFT, PolyPhen-2, Align-GVGD) all suggest that this variant is likely to be tolerated, but these predictions have not been confirmed by published functional studies and their clinical significance is uncertain. In summary, the available evidence is currently insufficient to determine the role of this variant in disease. Therefore, it has been classified as a Variant of Uncertain Significance.

NM_024675.4(PALB2):c.2999G>T (p.Gly1000Val)

Gene: PALB2 (partner and localizer of BRCA2; minus strand). Cytogenetic location: 16p12.2.
Variant type: single nucleotide variant.
Coding change: c.2999G>T on transcript NM_024675.4 (MANE Select); coding-DNA position 2999, G replaced by T.
Protein change: p.Gly1000Val; replaces glycine 1000 with valine.
Molecular consequence: missense variant.
Genome position (GRCh38, 1-based): chr16:23,621,476, C>A on the plus strand (G>T on the coding strand, the complement: PALB2 is on the minus strand). VCF-style: chr16-23621476-C-A. GRCh37 (hg19) VCF-style: chr16-23632797-C-A.
Other names: short protein forms G1000V.
Identifiers: ClinVar variation 952324 (VCV000952324.12), dbSNP rs1597079946, ClinGen allele CA395143231.